The following is an entry in ClinVar:

NM_203447.4(DOCK8):c.2606-123T>C

Gene: DOCK8 (dedicator of cytokinesis 8; plus strand). Cytogenetic location: 9p24.3.
Variant type: single nucleotide variant.
Coding change: c.2606-123T>C on transcript NM_203447.4 (MANE Select); 123 bases into the intron before coding-DNA position 2606, T replaced by C.
Molecular consequence: intron variant.
Genome position (GRCh38, 1-based): chr9:382,390, T>C. VCF-style: chr9-382390-T-C. GRCh37 (hg19) VCF-style: chr9-382390-T-C.
Other names: c.2402-123T>C (NM_001193536.2, NM_001190458.2).
Identifiers: ClinVar variation 676836 (VCV000676836.3), dbSNP rs748429, ClinGen allele CA13041935.

ClinVar aggregate classification (germline): Benign. Review status: criteria provided, multiple submitters, no conflicts (2 of 4 stars). 2 submissions from 2 submitters: Benign (2). Last evaluated 2023-11-12.

Allele frequency attached by ClinVar (database versions not stated): gnomAD exomes 0.28058; 1000 Genomes Project 0.36502; gnomAD 0.37465 and 0.38499; 1000 Genomes Project 30x 0.37633; TOPMed 0.39125.
gnomAD v4.1: 399,558 of 1,371,126 alleles (29%); highest among the groups gnomAD compares: African/African-American, 67%; 65,456 homozygotes.

Submissions (2):

Unidad de Genómica Garrahan, Hospital de Pediatría Garrahan
Classification: Benign. Last evaluated: 2023-11-12. Review status: criteria provided, single submitter. Criteria: ACMG Guidelines, 2015. Collection method: clinical testing. Allele origin: germline. Affected: no. Observed: 37 variant alleles.
Comment: This variant is classified as Benign based on local population frequency. This variant was detected in 39% of patients studied by a panel of primary immunodeficiencies. Number of patients: 37. Only high quality variants are reported.

GeneDx
Classification: Benign. Last evaluated: 2018-06-14. Review status: criteria provided, single submitter. Criteria: GeneDx Variant Classification (06012015). Collection method: clinical testing. Allele origin: germline. Affected: yes.
Comment: This variant is considered likely benign or benign based on one or more of the following criteria: it is a conservative change, it occurs at a poorly conserved position in the protein, it is predicted to be benign by multiple in silico algorithms, and/or has population frequency not consistent with disease.